The following is an entry in ClinVar:

ClinVar aggregate classification (germline): Uncertain significance (1 of 4 stars; one submission).

Allele frequency attached by ClinVar (database versions not stated): gnomAD exomes below 0.00001.
gnomAD v4.1: 1 of 1,613,970 alleles (0.000062%); highest among the groups gnomAD compares: East Asian, 0.0022%; no homozygotes.

Submission:

Ambry Genetics
Classification: Uncertain significance. Last evaluated: 2025-07-28. Review status: criteria provided, single submitter. Criteria: Ambry Variant Classification Scheme 2023. Collection method: clinical testing. Allele origin: germline.
Comment: The p.I268M variant (also known as c.804T>G), located in coding exon 6 of the RECQL gene, results from a T to G substitution at nucleotide position 804. The isoleucine at codon 268 is replaced by methionine, an amino acid with highly similar properties. This amino acid position is conserved. In addition, the in silico prediction for this alteration is inconclusive. Since supporting evidence is limited at this time, the clinical significance of this alteration remains unclear.

NM_002907.4(RECQL):c.804T>G (p.Ile268Met)

Gene: RECQL (RecQ like helicase; minus strand). Cytogenetic location: 12p12.1.
Variant type: single nucleotide variant.
Coding change: c.804T>G on transcript NM_002907.4 (MANE Select); coding-DNA position 804, T replaced by G.
Protein change: p.Ile268Met; replaces isoleucine 268 with methionine.
Molecular consequence: missense variant.
Genome position (GRCh38, 1-based): chr12:21,477,866, A>C on the plus strand (T>G on the coding strand, the complement: RECQL is on the minus strand). VCF-style: chr12-21477866-A-C. GRCh37 (hg19) VCF-style: chr12-21630800-A-C.
Other names: c.804T>G, p.Ile268Met (NM_032941.3); short protein forms I268M.
Identifiers: ClinVar variation 2450983 (VCV002450983.3), dbSNP rs2540356289, ClinGen allele CA384124410.